The following is an entry in ClinVar:

NM_018489.3(ASH1L):c.4760C>G (p.Ser1587Cys)

Gene: ASH1L (ASH1 like histone lysine methyltransferase; minus strand). Cytogenetic location: 1q22.
Variant type: single nucleotide variant.
Coding change: c.4760C>G on transcript NM_018489.3 (MANE Select); coding-DNA position 4760, C replaced by G.
Protein change: p.Ser1587Cys; replaces serine 1587 with cysteine.
Molecular consequence: missense variant.
Genome position (GRCh38, 1-based): chr1:155,478,110, G>C on the plus strand (C>G on the coding strand, the complement: ASH1L is on the minus strand). VCF-style: chr1-155478110-G-C. GRCh37 (hg19) VCF-style: chr1-155447901-G-C.
Other names: c.4760C>G, p.Ser1587Cys (NM_001366177.2); short protein forms S1587C.
Identifiers: ClinVar variation 3359488 (VCV003359488.1).
Genomic context (GRCh38, chr1:155,478,110, plus strand): 5'-AAAAGGTTTGTATGTTCATCACTGCTGGCTGGCTCAGAGTTGGGAGTGAATCCTCCAAGG[G>C]ATAAGCTTGGAGAACTTTCTGAACAGTCAATCTGTAAAGGTGTCTGCAATCCCAAGGCCA-3'
Protein context (NP_060959.2, residues 1577-1597): IDCSESSPSL[Ser1587Cys]LGGFTPNSEP

ClinVar aggregate classification (germline): Uncertain significance (1 of 4 stars; one submission).

gnomAD v4.1: 1 of 1,614,116 alleles (0.000062%); highest among the groups gnomAD compares: Non-Finnish European, 0.000085%; no homozygotes.

Submission:

GeneDx
Classification: Uncertain significance. Last evaluated: 2023-06-05. Review status: criteria provided, single submitter. Criteria: GeneDx Variant Classification Process June 2021. Collection method: clinical testing. Allele origin: germline. Affected: yes.
Comment: Not observed at significant frequency in large population cohorts (gnomAD); In silico analysis supports that this missense variant has a deleterious effect on protein structure/function; Has not been previously published as pathogenic or benign to our knowledge